The following is an entry in ClinVar:

NM_001244008.2(KIF1A):c.3907A>G (p.Ile1303Val)

Gene: KIF1A (kinesin family member 1A; minus strand). Cytogenetic location: 2q37.3.
Variant type: single nucleotide variant.
Coding change: c.3907A>G on transcript NM_001244008.2 (MANE Select); coding-DNA position 3907, A replaced by G.
Protein change: p.Ile1303Val; replaces isoleucine 1303 with valine.
Molecular consequence: missense variant.
Genome position (GRCh38, 1-based): chr2:240,737,163, T>C on the plus strand (A>G on the coding strand, the complement: KIF1A is on the minus strand). VCF-style: chr2-240737163-T-C. GRCh37 (hg19) VCF-style: chr2-241676580-T-C.
Other names: c.3631A>G, p.Ile1211Val (NM_001320705.2, NM_001330289.2, NM_001379638.1); c.3706A>G, p.Ile1236Val (NM_001330290.2, NM_001379634.1, NM_001379635.1 and 1 more transcripts); c.3982A>G, p.Ile1328Val (NM_001379631.1); c.3856A>G, p.Ile1286Val (NM_001379632.1); c.3880A>G, p.Ile1294Val (NM_001379633.1, NM_001379642.1, NM_001379645.1); c.3718A>G, p.Ile1240Val (NM_001379636.1); c.3679A>G, p.Ile1227Val (NM_001379637.1, NM_001379648.1); c.3604A>G, p.Ile1202Val (NM_001379639.1, NM_001379641.1, NM_001379649.1 and 5 more transcripts); and 1 more; short protein forms I1201V, I1202V, I1211V, I1227V, I1236V, I1240V, I1286V, I1294V.
Identifiers: ClinVar variation 3029384 (VCV003029384.2), dbSNP rs532040809, ClinGen allele CA2207582.

ClinVar aggregate classification (germline): Uncertain significance (0 of 4 stars; one submission).

Conditions:
KIF1A-related disorder. Also called: KIF1A-related disorders; KIF1A-related condition.

Allele frequency attached by ClinVar (database versions not stated): gnomAD exomes below 0.00001; TOPMed below 0.00001; ExAC 0.00001; gnomAD 0.00001; 1000 Genomes Project 30x 0.00016; 1000 Genomes Project 0.00020.
gnomAD v4.1: 2 of 1,613,282 alleles (0.00012%); highest among the groups gnomAD compares: Non-Finnish European, 0.00017%; no homozygotes.

Submission:

PreventionGenetics, part of Exact Sciences
Classification: Uncertain significance for KIF1A-related condition. Last evaluated: 2023-12-27. Review status: no assertion criteria provided. Collection method: clinical testing. Allele origin: germline.
Comment: The KIF1A c.3907A>G variant is predicted to result in the amino acid substitution p.Ile1303Val. To our knowledge, this variant has not been reported in the literature. This variant is reported in 0.00089% of alleles in individuals of European (Non-Finnish) descent in gnomAD. At this time, the clinical significance of this variant is uncertain due to the absence of conclusive functional and genetic evidence.